The following is an entry in ClinVar:

ClinVar aggregate classification (germline): Uncertain significance (1 of 4 stars; one submission).

Conditions:
Rubinstein-Taybi syndrome (RSTS). Identifiers: Orphanet 783, MedGen C0035934, MONDO:0019188.

Allele frequency attached by ClinVar (database versions not stated): gnomAD 0.00001; TOPMed 0.00001.
gnomAD v4.1: 5 of 1,529,378 alleles (0.00033%); highest among the groups gnomAD compares: Non-Finnish European, 0.00035%; no homozygotes.

Submission:

Labcorp Genetics (formerly Invitae), Labcorp
Classification: Uncertain significance for Rubinstein-Taybi syndrome. Last evaluated: 2024-10-24. Review status: criteria provided, single submitter. Criteria: Invitae Variant Classification Sherloc (09022015). Collection method: clinical testing. Allele origin: germline.
Comment: This sequence change replaces arginine, which is basic and polar, with glutamine, which is neutral and polar, at codon 1926 of the CREBBP protein (p.Arg1926Gln). This variant is not present in population databases (gnomAD no frequency). This variant has not been reported in the literature in individuals affected with CREBBP-related conditions. ClinVar contains an entry for this variant (Variation ID: 1470361). Invitae Evidence Modeling of protein sequence and biophysical properties (such as structural, functional, and spatial information, amino acid conservation, physicochemical variation, residue mobility, and thermodynamic stability) indicates that this missense variant is not expected to disrupt CREBBP protein function with a negative predictive value of 95%. In summary, the available evidence is currently insufficient to determine the role of this variant in disease. Therefore, it has been classified as a Variant of Uncertain Significance.

NM_004380.3(CREBBP):c.5777G>A (p.Arg1926Gln)

Gene: CREBBP (CREB binding lysine acetyltransferase; minus strand). Cytogenetic location: 16p13.3.
Variant type: single nucleotide variant.
Coding change: c.5777G>A on transcript NM_004380.3 (MANE Select); coding-DNA position 5777, G replaced by A.
Protein change: p.Arg1926Gln; replaces arginine 1926 with glutamine.
Molecular consequence: missense variant.
Genome position (GRCh38, 1-based): chr16:3,729,270, C>T on the plus strand (G>A on the coding strand, the complement: CREBBP is on the minus strand). VCF-style: chr16-3729270-C-T. GRCh37 (hg19) VCF-style: chr16-3779271-C-T.
Other names: c.5663G>A, p.Arg1888Gln (NM_001079846.1); short protein forms R1888Q, R1926Q.
Identifiers: ClinVar variation 1470361 (VCV001470361.8), dbSNP rs1370704436, ClinGen allele CA394555548.